The following is an entry in ClinVar:

NM_004115.4(FGF14):c.512G>A (p.Trp171Ter)

Gene: FGF14 (fibroblast growth factor 14; minus strand). Cytogenetic location: 13q33.1.
Variant type: single nucleotide variant.
Coding change: c.512G>A on transcript NM_004115.4 (MANE Select); coding-DNA position 512, G replaced by A.
Protein change: p.Trp171Ter; replaces tryptophan 171 with a stop codon.
Molecular consequence: nonsense.
Genome position (GRCh38, 1-based): chr13:101,726,707, C>T on the plus strand (G>A on the coding strand, the complement: FGF14 is on the minus strand). VCF-style: chr13-101726707-C-T. GRCh37 (hg19) VCF-style: chr13-102379057-C-T.
Other names: c.260G>A, p.Trp87Ter (NM_001321931.1, NM_001321934.1, NM_001321935.1 and 4 more transcripts); c.323G>A, p.Trp108Ter (NM_001321932.1, NM_001321936.1, NM_001321944.1); c.332G>A, p.Trp111Ter (NM_001321933.1, NM_001321938.2, NM_001321940.1); c.416G>A, p.Trp139Ter (NM_001321939.2); c.326G>A, p.Trp109Ter (NM_001321941.2); c.410G>A, p.Trp137Ter (NM_001321945.2, NM_001321948.2, NM_001379342.1); c.371G>A, p.Trp124Ter (NM_001321947.2); c.527G>A, p.Trp176Ter (NM_175929.3); short protein forms W108*, W109*, W111*, W124*, W137*, W139*, W171*, W176*.
Identifiers: ClinVar variation 3061913 (VCV003061913.1), dbSNP rs2548901390, ClinGen allele CA388711194.

ClinVar aggregate classification (germline): Pathogenic (1 of 4 stars; one submission).

Conditions:
Spinocerebellar ataxia 27A. Also called: VESTIBULOCEREBELLAR DISORDER WITH PREDOMINANT OCULAR SIGNS. Identifiers: MedGen CN031884, MONDO:0008654, OMIM 193003.

Submission:

MVZ Medizinische Genetik Mainz
Classification: Pathogenic for Spinocerebellar ataxia 27A. Last evaluated: 2024-02-02. Review status: criteria provided, single submitter. Criteria: UK Practice Guidelines For Variant Classification V4 01 2020. Collection method: clinical testing. Allele origin: germline. Inheritance: Autosomal dominant inheritance. Affected: yes. Observed: 1 variant allele.
Comment: PVS1,PM2_SUP,PP4